The following is an entry in ClinVar:

ClinVar aggregate classification (germline): Uncertain significance (1 of 4 stars; one submission).

Submission:

Labcorp Genetics (formerly Invitae), Labcorp
Classification: Uncertain significance. Last evaluated: 2021-09-21. Review status: criteria provided, single submitter. Criteria: Invitae Variant Classification Sherloc (09022015). Collection method: clinical testing. Allele origin: germline.
Comment: This sequence change replaces serine with arginine at codon 511 of the SLCO5A1 protein (p.Ser511Arg). The serine residue is moderately conserved and there is a moderate physicochemical difference between serine and arginine. This variant is not present in population databases (ExAC no frequency). This variant has not been reported in the literature in individuals affected with SLCO5A1-related conditions. Algorithms developed to predict the effect of missense changes on protein structure and function are either unavailable or do not agree on the potential impact of this missense change (SIFT: "Deleterious"; PolyPhen-2: "Possibly Damaging"; Align-GVGD: "Class C0"). In summary, the available evidence is currently insufficient to determine the role of this variant in disease. Therefore, it has been classified as a Variant of Uncertain Significance.

NM_030958.3(SLCO5A1):c.1531A>C (p.Ser511Arg)

Gene: SLCO5A1 (solute carrier organic anion transporter family member 5A1; minus strand). Cytogenetic location: 8q13.3.
Variant type: single nucleotide variant.
Coding change: c.1531A>C on transcript NM_030958.3 (MANE Select); coding-DNA position 1531, A replaced by C.
Protein change: p.Ser511Arg; replaces serine 511 with arginine.
Molecular consequence: missense variant.
Genome position (GRCh38, 1-based): chr8:69,705,122, T>G on the plus strand (A>C on the coding strand, the complement: SLCO5A1 is on the minus strand). VCF-style: chr8-69705122-T-G. GRCh37 (hg19) VCF-style: chr8-70617357-T-G.
Other names: c.1531A>C, p.Ser511Arg (NM_001146008.2); c.1366A>C, p.Ser456Arg (NM_001146009.1); short protein forms S456R, S511R.
Identifiers: ClinVar variation 1438161 (VCV001438161.6), dbSNP rs1814911333, ClinGen allele CA371227370.
Genomic context (GRCh38, chr8:69,705,122, plus strand): 5'-GATTAATGCTTTCACATCCAACAATAAATAGGGTTGAAAAACATAGTAAAGACACACCAC[T>G]GCAGATCATTGCTAGTTTTGCAGATTCTCTGGCACCAAGTTTCAATTTTTTTATAATGTA-3'
Protein context (NP_112220.2, residues 501-521): RESAKLAMIC[Ser511Arg]GVSLLCFSTL